The following is an entry in ClinVar:

NM_007294.4(BRCA1):c.5182A>C (p.Met1728Leu)

Gene: BRCA1 (BRCA1 DNA repair associated; minus strand). Cytogenetic location: 17q21.31.
Variant type: single nucleotide variant.
Coding change: c.5182A>C on transcript NM_007294.4 (MANE Select); coding-DNA position 5182, A replaced by C.
Protein change: p.Met1728Leu; replaces methionine 1728 with leucine.
Molecular consequence: missense variant. On other transcripts: non-coding transcript variant (1).
Genome position (GRCh38, 1-based): chr17:43,063,344, T>G on the plus strand (A>C on the coding strand, the complement: BRCA1 is on the minus strand). VCF-style: chr17-43063344-T-G. GRCh37 (hg19) VCF-style: chr17-41215361-T-G.
Other names: c.4969A>C, p.Met1657Leu (NM_001407571.1, NM_001407900.1, NM_001407902.1 and 12 more transcripts); c.5248A>C, p.Met1750Leu (NM_001407581.1, NM_001407582.1); c.5245A>C, p.Met1749Leu (NM_001407583.1, NM_001407585.1, NM_001407587.1 and 1 more transcripts); c.5179A>C, p.Met1727Leu (NM_001407610.1, NM_001407611.1, NM_001407612.1 and 17 more transcripts); c.5176A>C, p.Met1726Leu (NM_001407629.1, NM_001407630.1, NM_001407631.1 and 14 more transcripts); c.5122A>C, p.Met1708Leu (NM_001407649.1); c.5104A>C, p.Met1702Leu (NM_001407652.1, NM_001407653.1, NM_001407654.1 and 1 more transcripts); c.5101A>C, p.Met1701Leu (NM_001407656.1, NM_001407657.1, NM_001407658.1); and 72 more; short protein forms M1681L, M1728L, M624L, M1749L, M1574L, M1599L, M1617L, M1638L.
Identifiers: ClinVar variation 867775 (VCV000867775.3), dbSNP rs2051858497, ClinGen allele CA10591180.
Genomic context (GRCh38, chr17:43,063,344, plus strand): 5'-ATATGACTGAATGAATATCTCTGGTTAGTTTGTAACATCAAGTACTTACCTCATTCAGCA[T>G]TTTTCTTTCTTTAATAGACTGGGTCACCCCTAAAGAGATCATAGAAAAGACAGGTTACAT-3'
Protein context (NP_009225.1, residues 1718-1738): WVTQSIKERK[Met1728Leu]LNEHDFEVRG

Conditions:
Breast-ovarian cancer, familial, susceptibility to, 1 (BROVCA1). Also called: BRCA1 Hereditary Breast and Ovarian Cancer; OVARIAN CANCER, SUSCEPTIBILITY TO. Identifiers: Orphanet 145, MedGen C2676676, MONDO:0011450, OMIM 604370. Disease mechanism: loss of function.

Submission:

Brotman Baty Institute, University of Washington
No classification provided (evidence only). Condition: Breast-ovarian cancer, familial 1. Review status: no classification provided. Collection method: in vitro. Allele origin: not applicable. Functional consequence: functionally_normal.
ClinVar note: "not provided" was previously submitted as the classification for the variant. However, the classification appeared to be based only on an observation of functional data so it was converted to no classification on 2025-07-30.